The following is an entry in ClinVar:

NM_005506.4(SCARB2):c.118-208C>T

Gene: SCARB2 (scavenger receptor class B member 2; minus strand). Cytogenetic location: 4q21.1.
Variant type: single nucleotide variant.
Coding change: c.118-208C>T on transcript NM_005506.4 (MANE Select); 208 bases into the intron before coding-DNA position 118, C replaced by T.
Molecular consequence: intron variant.
Genome position (GRCh38, 1-based): chr4:76,196,072, G>A on the plus strand (C>T on the coding strand, the complement: SCARB2 is on the minus strand). VCF-style: chr4-76196072-G-A. GRCh37 (hg19) VCF-style: chr4-77117225-G-A.
Other names: c.118-208C>T (NM_001204255.2).
Identifiers: ClinVar variation 670899 (VCV000670899.1), dbSNP rs11729334, ClinGen allele CA11691471.

ClinVar aggregate classification (germline): Benign (1 of 4 stars; one submission).

Allele frequency attached by ClinVar (database versions not stated): gnomAD 0.18016 and 0.18126; TOPMed 0.18596; 1000 Genomes Project 0.22903; 1000 Genomes Project 30x 0.22923.
gnomAD v4.1: 27,635 of 152,152 alleles (18%); highest among the groups gnomAD compares: East Asian, 35%; 2,723 homozygotes.

Submission:

GeneDx
Classification: Benign. Last evaluated: 2018-06-19. Review status: criteria provided, single submitter. Criteria: GeneDx Variant Classification (06012015). Collection method: clinical testing. Allele origin: germline. Affected: yes.
Comment: This variant is considered likely benign or benign based on one or more of the following criteria: it is a conservative change, it occurs at a poorly conserved position in the protein, it is predicted to be benign by multiple in silico algorithms, and/or has population frequency not consistent with disease.